The following is an entry in ClinVar:

ClinVar aggregate classification (germline): Benign. Review status: criteria provided, multiple submitters, no conflicts (2 of 4 stars). 7 submissions from 7 submitters: Benign (7). Last evaluated 2026-02-04.

Conditions:
Osteogenesis imperfecta type 6. Also called: Osteogenesis imperfecta, type VI. Identifiers: Orphanet 666, MedGen C3279564, MONDO:0013515, OMIM 613982.

Allele frequency attached by ClinVar (database versions not stated): gnomAD exomes 0.71640 and 0.73204; ExAC 0.72923; gnomAD 0.76939 and 0.77455; ESP Exome Variant Server 0.77011; 1000 Genomes Project 0.77676; TOPMed 0.77892; 1000 Genomes Project 30x 0.77998.
gnomAD v4.1: 1,163,318 of 1,612,732 alleles (72%); highest among the groups gnomAD compares: African/African-American, 90%; 422,159 homozygotes.

Submissions (7):

Labcorp Genetics (formerly Invitae), Labcorp
Classification: Benign. Last evaluated: 2026-02-04. Review status: criteria provided, single submitter. Criteria: Invitae Variant Classification Sherloc (09022015). Collection method: clinical testing. Allele origin: germline.

Blueprint Genetics
Classification: Benign. Last evaluated: 2024-11-28. Review status: criteria provided, single submitter. Criteria: ACMG Guidelines, 2015. Collection method: clinical testing. Allele origin: germline.

Mayo Clinic Laboratories, Mayo Clinic
Classification: Benign. Last evaluated: 2022-04-26. Review status: criteria provided, single submitter. Criteria: ACMG Guidelines, 2015. Collection method: clinical testing. Allele origin: germline. Observed: 125 variant alleles.

Illumina Laboratory Services, Illumina
Classification: Benign for Osteogenesis imperfecta type 6. Last evaluated: 2018-01-13. Review status: criteria provided, single submitter. Criteria: ICSL Variant Classification Criteria 13 December 2019. Collection method: clinical testing. Allele origin: germline.
Comment: This variant was observed in the ICSL laboratory as part of a predisposition screen in an ostensibly healthy population. It had not been previously curated by ICSL or reported in the Human Gene Mutation Database (HGMD: prior to June 1st, 2018), and was therefore a candidate for classification through an automated scoring system. Utilizing variant allele frequency, disease prevalence and penetrance estimates, and inheritance mode, an automated score was calculated to assess if this variant is too frequent to cause the disease. Based on the score and internal cut-off values, a variant classified as benign is not then subjected to further curation. The score for this variant resulted in a classification of benign for this disease.

GeneDx
Classification: Benign. Last evaluated: 2017-06-09. Review status: criteria provided, single submitter. Criteria: GeneDx Variant Classification (06012015). Collection method: clinical testing. Allele origin: germline. Affected: yes.
Comment: This variant is considered likely benign or benign based on one or more of the following criteria: it is a conservative change, it occurs at a poorly conserved position in the protein, it is predicted to be benign by multiple in silico algorithms, and/or has population frequency not consistent with disease.

Breakthrough Genomics
Classification: Benign. Review status: criteria provided, single submitter. Criteria: ACMG Guidelines, 2015. Collection method: not provided. Allele origin: germline. Inheritance: Autosomal recessive inheritance. Affected: yes.

Medical Molecular Genetics Department, National Research Center
Classification: Benign for Osteogenesis imperfecta, type VI. Review status: criteria provided, single submitter. Criteria: ACMG Guidelines, 2015. Collection method: clinical testing. Allele origin: unknown. Inheritance: Autosomal recessive inheritance. Observed: 11 variant alleles.

NM_002615.7(SERPINF1):c.963T>C (p.Tyr321=)

Gene: SERPINF1 (serpin family F member 1; plus strand). Cytogenetic location: 17p13.3.
Variant type: single nucleotide variant.
Coding change: c.963T>C on transcript NM_002615.7 (MANE Select); coding-DNA position 963, T replaced by C.
Protein change: p.Tyr321=; no amino-acid change (tyrosine 321 retained).
Molecular consequence: synonymous variant.
Genome position (GRCh38, 1-based): chr17:1,776,708, T>C. VCF-style: chr17-1776708-T-C. GRCh37 (hg19) VCF-style: chr17-1680002-T-C.
Other names: p.Tyr321=; c.963T>C, p.Tyr321= (NM_001329903.2); c.402T>C, p.Tyr134= (NM_001329904.2, NM_001329905.2).
Identifiers: ClinVar variation 322012 (VCV000322012.16), dbSNP rs6828, ClinGen allele CA8274896.